The following is an entry in ClinVar:

ClinVar aggregate classification (germline): Uncertain significance. Review status: criteria provided, multiple submitters, no conflicts (2 of 4 stars). 3 submissions from 3 submitters: Uncertain significance (3). Last evaluated 2024-12-05.

Allele frequency attached by ClinVar (database versions not stated): gnomAD exomes below 0.00001; TOPMed 0.00002; 1000 Genomes Project 0.00020; ExAC 0.00002; 1000 Genomes Project 30x 0.00016; gnomAD 0.00001.
gnomAD v4.1: 8 of 1,614,074 alleles (0.0005%); highest among the groups gnomAD compares: African/African-American, 0.0013%; no homozygotes.

Submissions (3):

Mayo Clinic Laboratories, Mayo Clinic
Classification: Uncertain significance. Last evaluated: 2024-12-05. Review status: criteria provided, single submitter. Criteria: ACMG Guidelines, 2015. Collection method: clinical testing. Allele origin: germline. Observed: 1 variant allele.
Comment: BP4, PM2_supporting

Revvity Omics, Revvity
Classification: Uncertain significance. Last evaluated: 2022-08-04. Review status: criteria provided, single submitter. Criteria: ACMG Guidelines, 2015. Collection method: clinical testing. Allele origin: germline.

ARUP Laboratories, Molecular Genetics and Genomics, ARUP Laboratories
Classification: Uncertain significance. Last evaluated: 2022-03-22. Review status: criteria provided, single submitter. Criteria: ARUP Molecular Germline Variant Investigation Process 2021. Collection method: clinical testing. Allele origin: germline.

NM_003126.4(SPTA1):c.3134G>A (p.Arg1045Gln)

Gene: SPTA1 (spectrin alpha, erythrocytic 1; minus strand). Cytogenetic location: 1q23.1.
Variant type: single nucleotide variant.
Coding change: c.3134G>A on transcript NM_003126.4 (MANE Select); coding-DNA position 3134, G replaced by A.
Protein change: p.Arg1045Gln; replaces arginine 1045 with glutamine.
Molecular consequence: missense variant.
Genome position (GRCh38, 1-based): chr1:158,653,328, C>T on the plus strand (G>A on the coding strand, the complement: SPTA1 is on the minus strand). VCF-style: chr1-158653328-C-T. GRCh37 (hg19) VCF-style: chr1-158623118-C-T.
Other names: p.Arg1045Gln; short protein forms R1045Q.
Identifiers: ClinVar variation 2428565 (VCV002428565.6), dbSNP rs202042176, ClinGen allele CA1183164.
Genomic context (GRCh38, chr1:158,653,328, plus strand): 5'-ACTTACTGGTTCTCAATCTGCTCCTGGCGCTGGGTGATGTTTCCTGGCTCTTCTCGTCGC[C>T]GCTGTGGGAGCATCGGGAACTCATCGTGGGCCAGTCTTCTGACATAGACAGCTGGGACAA-3'
Protein context (NP_003117.2, residues 1035-1055): AHDEFPMLPQ[Arg1045Gln]RREEPGNITQ